The following is an entry in ClinVar:

ClinVar aggregate classification (germline): Uncertain significance (1 of 4 stars; one submission).

Submission:

Labcorp Genetics (formerly Invitae), Labcorp
Classification: Uncertain significance. Last evaluated: 2021-06-05. Review status: criteria provided, single submitter. Criteria: Invitae Variant Classification Sherloc (09022015). Collection method: clinical testing. Allele origin: germline.
Comment: In summary, the available evidence is currently insufficient to determine the role of this variant in disease. Therefore, it has been classified as a Variant of Uncertain Significance. Algorithms developed to predict the effect of missense changes on protein structure and function are either unavailable or do not agree on the potential impact of this missense change (SIFT: "Deleterious"; PolyPhen-2: "Benign"; Align-GVGD: "Class C0"). This variant has not been reported in the literature in individuals with NBAS-related conditions. This variant is not present in population databases (ExAC no frequency). This sequence change replaces serine with asparagine at codon 1502 of the NBAS protein (p.Ser1502Asn). The serine residue is highly conserved and there is a small physicochemical difference between serine and asparagine.

NM_015909.4(NBAS):c.4505G>A (p.Ser1502Asn)

Gene: NBAS (NBAS subunit of NRZ tethering complex; minus strand). Cytogenetic location: 2p24.3.
Variant type: single nucleotide variant.
Coding change: c.4505G>A on transcript NM_015909.4 (MANE Select); coding-DNA position 4505, G replaced by A.
Protein change: p.Ser1502Asn; replaces serine 1502 with asparagine.
Molecular consequence: missense variant. On other transcripts: non-coding transcript variant (1).
Genome position (GRCh38, 1-based): chr2:15,327,827, C>T on the plus strand (G>A on the coding strand, the complement: NBAS is on the minus strand). VCF-style: chr2-15327827-C-T. GRCh37 (hg19) VCF-style: chr2-15467951-C-T.
Other names: short protein forms S1502N.
Identifiers: ClinVar variation 1439129 (VCV001439129.6), dbSNP rs143215830, ClinGen allele CA345895568.